The following is an entry in ClinVar:

NM_000642.3(AGL):c.1020del (p.Glu340fs)

Gene: AGL (amylo-alpha-1,6-glucosidase and 4-alpha-glucanotransferase; plus strand). Cytogenetic location: 1p21.2.
Variant type: Deletion.
Coding change: c.1020del on transcript NM_000642.3 (MANE Select); coding-DNA position 1020, one base deleted (A; older notation c.1020delA).
Protein change: p.Glu340fs; shifts the reading frame from glutamic acid 340.
Molecular consequence: frameshift variant.
Genome position (GRCh38, 1-based): chr1:99,874,748, A deleted; the last of 2 consecutive A bases (chr1:99,874,747-99,874,748); deleting either gives the same sequence. VCF-style (leftmost placement, unchanged base first): chr1-99874746-GA-G. GRCh37 (hg19) VCF-style: chr1-100340302-GA-G.
Other names: c.1020delA, p.Glu340Aspfs (NM_000028.3, NM_000643.3, NM_000644.3 and 3 more transcripts); c.972delA, p.Glu324Aspfs (NM_000646.3); c.816delA, p.Glu272Aspfs (NM_001425328.1, NM_001425329.1); c.642delA, p.Glu214Aspfs (NM_001425332.1); short protein forms E324fs, E340fs.
Identifiers: ClinVar variation 1027598 (VCV001027598.41), dbSNP rs1651357012, ClinGen allele CA923726203.

ClinVar aggregate classification (germline): Pathogenic. Review status: criteria provided, multiple submitters, no conflicts (2 of 4 stars). 7 submissions from 7 submitters: Pathogenic (7). Last evaluated 2026-06-29.

Conditions:
Glycogen storage disease type III (GSD3). Also called: FORBES DISEASE; Cori disease. Identifiers: Orphanet 366, MedGen C0017922, MONDO:0009291, OMIM 232400.
AGL-related disorder. Also called: AGL-related condition.
Glycogen storage disease. Also called: Disorder of glycogen metabolism; glycogen storage disorder. Identifiers: Orphanet 79201, MedGen C0017919, MONDO:0002412.

Submissions (7):

Genetics Laboratory, Great Ormond Street Hospital NHS Foundation Trust, North Thames Genomic Laboratory Hub
Classification: Pathogenic for Glycogen storage disease. Last evaluated: 2026-06-29. Review status: criteria provided, single submitter. Criteria: ACGS Best Practice Guidelines for Variant Classification in Rare Disease 2024 v1.2. Collection method: clinical testing. Allele origin: germline. Affected: yes.
Comment: PM2_moderate, PVS1_very-strong, PM3_moderate

PreventionGenetics, part of Exact Sciences
Classification: Pathogenic for AGL-related condition. Last evaluated: 2025-04-25. Review status: criteria provided, single submitter. Criteria: ACMG Guidelines, 2015. Collection method: clinical testing. Allele origin: germline.
Comment: The AGL c.1020delA variant is predicted to result in a frameshift and premature protein termination (p.Glu340Aspfs*9). This variant has been reported in individuals with glycogen storage disease type III (GSD III) (described as 1019delA, Endo et al. 2006. PubMed ID: 17047887; Ersoy et al. 2021. PubMed ID: 34946936). This variant has not been reported in a large population database (gnomAD), indicating this variant is rare. Frameshift variants in AGL are expected to be pathogenic. This variant is interpreted as pathogenic.

Labcorp Genetics (formerly Invitae), Labcorp
Classification: Pathogenic for Glycogen storage disease type III. Last evaluated: 2023-11-24. Review status: criteria provided, single submitter. Criteria: Invitae Variant Classification Sherloc (09022015). Collection method: clinical testing. Allele origin: germline.
Comment: This sequence change creates a premature translational stop signal (p.Glu340Aspfs*9) in the AGL gene. It is expected to result in an absent or disrupted protein product. Loss-of-function variants in AGL are known to be pathogenic (PMID: 19299494). This variant is not present in population databases (gnomAD no frequency). This premature translational stop signal has been observed in individual(s) with clinical features of liver glycogen storage disease (PMID: 17047887, 19834502). This variant is also known as 1019delA. ClinVar contains an entry for this variant (Variation ID: 1027598). For these reasons, this variant has been classified as Pathogenic.

Genome-Nilou Lab
Classification: Pathogenic for Glycogen storage disease type III. Last evaluated: 2023-04-11. Review status: criteria provided, single submitter. Criteria: ACMG Guidelines, 2015. Collection method: clinical testing. Allele origin: germline. Affected: no.

CeGaT Center for Human Genetics Tuebingen
Classification: Pathogenic. Last evaluated: 2022-09-01. Review status: criteria provided, single submitter. Criteria: CeGaT Center For Human Genetics Tuebingen Variant Classification Criteria Version 2. Collection method: clinical testing. Allele origin: germline. Affected: yes. Observed: 1 variant allele.
Comment: AGL: PVS1, PM2

Women's Health and Genetics/Laboratory Corporation of America, LabCorp
Classification: Pathogenic for Glycogen storage disease type III. Last evaluated: 2021-03-01. Review status: criteria provided, single submitter. Criteria: LabCorp Variant Classification Summary - May 2015. Collection method: clinical testing. Allele origin: germline.
Comment: Variant summary: AGL c.1020delA (p.Glu340AspfsX9) results in a premature termination codon, predicted to cause a truncation of the encoded protein or absence of the protein due to nonsense mediated decay, which are commonly known mechanisms for disease. The variant was absent in 251286 control chromosomes (gnomAD). c.1020delA (also cited as c.1019delA in the literature) has been reported in the literature in multiple individuals (homozygous/compound heterozygous/heterozygous) affected with Glycogen Storage Disease Type III (example: Aoyama_2009, Endo_2006, Okubo_2015). Many of these patients were from Turkey where it was reported as a founder mutation (Okubo_2015). These data indicate that the variant is very likely to be associated with disease. No enzymatic activity was found in patients who were homozygous for the variant (Aoyama_2009, Okubo_2015). No clinical diagnostic laboratories have submitted clinical-significance assessments for this variant to ClinVar after 2014. Based on the evidence outlined above, the variant was classified as pathogenic.

Victorian Clinical Genetics Services, Murdoch Childrens Research Institute
Classification: Pathogenic for Glycogen storage disease type III. Last evaluated: 2020-06-11. Review status: criteria provided, single submitter. Criteria: ACMG Guidelines, 2015. Collection method: clinical testing. Allele origin: germline. Inheritance: Autosomal recessive inheritance. Affected: yes.
Comment: Based on the classification scheme VCGS_Germline_v1.1.1, this variant is classified as Pathogenic. Following criteria are met: 0102 - Loss-of-function is a known mechanism of disease for this gene. (N) 0106 - This gene is known to be associated with autosomal recessive disease. (N) 0201 - Variant is predicted to cause nonsense-mediated decay (NMD) and loss of protein (exon 8 of 34). (P) 0251 - Variant is heterozygous. (N) 0301 - Variant is absent from gnomAD. (P) 0701 - Comparable variants have very strong previous evidence for pathogenicity. Many other NMD predicted variants have been reported in patients with glycogen storage disease III (GSD3) (ClinVar) (P) 0801 - Strong previous evidence of pathogenicity in unrelated individuals. This variant has been reported in multiple individuals with GSD subtype IIIa (PMID: 25451950; 17047887; 19834502; 30193751) (P) 1201 - Heterozygous variant detected in trans with a second (at least likely) pathogenic heterozygous variant in a recessive disease. (N) Legend: (P) - Pathogenic, (N) - Neutral, (B) - Benign

Literature cited by the submitters: PubMed 19299494 (cited by Labcorp Genetics (formerly Invitae), Labcorp); PubMed 17047887 (cited by 3 submitters); PubMed 19834502 (cited by 3 submitters); PubMed 25451950 (cited by Women's Health and Genetics/Laboratory Corporation of America, LabCorp and Victorian Clinical Genetics Services, Murdoch Childrens Research Institute); PubMed 30193751 (cited by Victorian Clinical Genetics Services, Murdoch Childrens Research Institute).